The following is an entry in ClinVar:

ClinVar aggregate classification (germline): Uncertain significance. Review status: criteria provided, multiple submitters, no conflicts (2 of 4 stars). 2 submissions from 2 submitters: Uncertain significance (2). Last evaluated 2025-10-04.

Conditions:
Inborn genetic diseases. Identifiers: MedGen C0950123, MeSH D030342.
Dyskeratosis congenita, autosomal dominant 6 (DKCA6). Identifiers: Orphanet 3322, MedGen C4225284, MONDO:0014690, OMIM 616553.

Allele frequency attached by ClinVar (database versions not stated): gnomAD 0.00001; TOPMed 0.00003.

Submissions (2):

Labcorp Genetics (formerly Invitae), Labcorp
Classification: Uncertain significance for Dyskeratosis congenita, autosomal dominant 6. Last evaluated: 2025-10-04. Review status: criteria provided, single submitter. Criteria: Invitae Variant Classification Sherloc (09022015). Collection method: clinical testing. Allele origin: germline.
Comment: This sequence change replaces serine, which is neutral and polar, with threonine, which is neutral and polar, at codon 26 of the ACD protein (p.Ser26Thr). This variant is present in population databases (no rsID available, gnomAD 0.0009%). This variant has not been reported in the literature in individuals affected with ACD-related conditions. ClinVar contains an entry for this variant (Variation ID: 1047168). An algorithm developed to predict the effect of missense changes on protein structure and function (PolyPhen-2) suggests that this variant is likely to be tolerated. In summary, the available evidence is currently insufficient to determine the role of this variant in disease. Therefore, it has been classified as a Variant of Uncertain Significance.

Ambry Genetics
Classification: Uncertain significance for Inborn genetic diseases. Last evaluated: 2023-07-26. Review status: criteria provided, single submitter. Criteria: Ambry Variant Classification Scheme 2023. Collection method: clinical testing. Allele origin: germline.
Comment: The p.S26T variant (also known as c.77G>C), located in coding exon 1 of the ACD gene, results from a G to C substitution at nucleotide position 77. The serine at codon 26 is replaced by threonine, an amino acid with similar properties. This amino acid position is conserved. In addition, this alteration is predicted to be tolerated by in silico analysis. Since supporting evidence is limited at this time, the clinical significance of this alteration remains unclear.

NC_000016.10:g.67660402C>G

Genes: ACD (ACD shelterin complex subunit and telomerase recruitment factor; minus strand), LOC130059224 (ATAC-STARR-seq lymphoblastoid silent region 7617; plus strand). Cytogenetic location: 16q22.1.
Variant type: single nucleotide variant.
Genome position: GRCh38 VCF-style: chr16-67660402-C-G. GRCh37 (hg19) VCF-style: chr16-67694305-C-G.
Other names: short protein forms S26T.
Identifiers: ClinVar variation 1047168 (VCV001047168.10), dbSNP rs781229512, ClinGen allele CA396359911.